The following is an entry in ClinVar:

NM_002693.3(POLG):c.2986C>G (p.Arg996Gly)

Gene: POLG (DNA polymerase gamma, catalytic subunit; minus strand). Cytogenetic location: 15q26.1.
Variant type: single nucleotide variant.
Coding change: c.2986C>G on transcript NM_002693.3 (MANE Select); coding-DNA position 2986, C replaced by G.
Protein change: p.Arg996Gly; replaces arginine 996 with glycine.
Molecular consequence: missense variant.
Genome position (GRCh38, 1-based): chr15:89,319,346, G>C on the plus strand (C>G on the coding strand, the complement: POLG is on the minus strand). VCF-style: chr15-89319346-G-C. GRCh37 (hg19) VCF-style: chr15-89862577-G-C.
Other names: c.2986C>G, p.Arg996Gly (NM_001126131.2); short protein forms R996G.
Identifiers: ClinVar variation 4780318 (VCV004780318.1).

ClinVar aggregate classification (germline): Uncertain significance (1 of 4 stars; one submission).

Conditions:
Progressive sclerosing poliodystrophy (MTDPS4A). Also called: Mitochondrial DNA depletion syndrome 4A (Alpers type); ALPERS DIFFUSE DEGENERATION OF CEREBRAL GRAY MATTER WITH HEPATIC CIRRHOSIS; Alpers-Huttenlocher Syndrome; Mitochondrial DNA Depletion Syndrome 4A; Alpers-Huttenlocher Syndrome (AHS); ALPERS PROGRESSIVE INFANTILE POLIODYSTROPHY. Identifiers: Orphanet 726, MedGen C0205710, MONDO:0008758, OMIM 203700.

Submission:

Labcorp Genetics (formerly Invitae), Labcorp
Classification: Uncertain significance for Progressive sclerosing poliodystrophy. Last evaluated: 2025-02-07. Review status: criteria provided, single submitter. Criteria: Invitae Variant Classification Sherloc (09022015). Collection method: clinical testing. Allele origin: germline.
Comment: This sequence change replaces arginine, which is basic and polar, with glycine, which is neutral and non-polar, at codon 996 of the POLG protein (p.Arg996Gly). This variant is not present in population databases (gnomAD no frequency). This variant has not been reported in the literature in individuals affected with POLG-related conditions. Invitae Evidence Modeling of protein sequence and biophysical properties (such as structural, functional, and spatial information, amino acid conservation, physicochemical variation, residue mobility, and thermodynamic stability) indicates that this missense variant is expected to disrupt POLG protein function with a positive predictive value of 95%. Algorithms developed to predict the effect of sequence changes on RNA splicing suggest that this variant may disrupt the consensus splice site. In summary, the available evidence is currently insufficient to determine the role of this variant in disease. Therefore, it has been classified as a Variant of Uncertain Significance.